The following is an entry in ClinVar:

ClinVar aggregate classification (germline): Conflicting classifications of pathogenicity. Review status: criteria provided, conflicting classifications (1 of 4 stars). 4 submissions from 4 submitters: Uncertain significance (3); Likely benign (1). Last evaluated 2025-11-03.

Conditions:
Thrombocytopenia 2 (THC2). Also called: ANKRD26-Related Thrombocytopenia. Identifiers: Orphanet 268322, MedGen C1861185, MONDO:0008555, OMIM 188000.

Allele frequency attached by ClinVar (database versions not stated): ExAC 0.00006; gnomAD exomes 0.00006 and 0.00015; 1000 Genomes Project 30x 0.00016; gnomAD 0.00017; 1000 Genomes Project 0.00020; TOPMed 0.00025; ESP Exome Variant Server 0.00034.
gnomAD v4.1: 241 of 1,610,866 alleles (0.015%); highest among the groups gnomAD compares: Non-Finnish European, 0.018%; no homozygotes.

Submissions (4):

Labcorp Genetics (formerly Invitae), Labcorp
Classification: Uncertain significance. Last evaluated: 2025-11-03. Review status: criteria provided, single submitter. Criteria: Invitae Variant Classification Sherloc (09022015). Collection method: clinical testing. Allele origin: germline.
Comment: This sequence change replaces glycine, which is neutral and non-polar, with arginine, which is basic and polar, at codon 443 of the ANKRD26 protein (p.Gly443Arg). This variant is present in population databases (rs199787000, gnomAD 0.02%). This variant has not been reported in the literature in individuals affected with ANKRD26-related conditions. ClinVar contains an entry for this variant (Variation ID: 878896). An algorithm developed to predict the effect of missense changes on protein structure and function outputs the following: PolyPhen-2: "Benign". The arginine amino acid residue is found in multiple mammalian species, which suggests that this missense change does not adversely affect protein function. In summary, the available evidence is currently insufficient to determine the role of this variant in disease. Therefore, it has been classified as a Variant of Uncertain Significance.

Blueprint Genetics
Classification: Likely benign. Last evaluated: 2023-12-21. Review status: criteria provided, single submitter. Criteria: ACMG Guidelines, 2015. Collection method: clinical testing. Allele origin: germline.

Genetic Services Laboratory, University of Chicago
Classification: Uncertain significance. Last evaluated: 2019-02-18. Review status: criteria provided, single submitter. Criteria: ACMG Guidelines, 2015. Collection method: clinical testing. Allele origin: germline. Affected: no.

Illumina Laboratory Services, Illumina
Classification: Uncertain significance for Thrombocytopenia 2. Last evaluated: 2017-04-27. Review status: criteria provided, single submitter. Criteria: ICSL Variant Classification Criteria 13 December 2019. Collection method: clinical testing. Allele origin: germline.
Comment: This variant was observed as part of a predisposition screen in an ostensibly healthy population. A literature search was performed for the gene, cDNA change, and amino acid change (where applicable). Publications were found based on this search. However, the evidence from the literature, in combination with allele frequency data from public databases where available, was not sufficient to rule this variant in or out of causing disease. Therefore, this variant is classified as a variant of unknown significance.

Literature cited by the submitters: PubMed 17666371 (cited by Illumina Laboratory Services, Illumina).

NM_014915.3(ANKRD26):c.1327G>A (p.Gly443Arg)

Gene: ANKRD26 (ankyrin repeat domain 26; minus strand). Cytogenetic location: 10p12.1.
Variant type: single nucleotide variant.
Coding change: c.1327G>A on transcript NM_014915.3 (MANE Select); coding-DNA position 1327, G replaced by A.
Protein change: p.Gly443Arg; replaces glycine 443 with arginine.
Molecular consequence: missense variant.
Genome position (GRCh38, 1-based): chr10:27,064,024, C>T on the plus strand (G>A on the coding strand, the complement: ANKRD26 is on the minus strand). VCF-style: chr10-27064024-C-T. GRCh37 (hg19) VCF-style: chr10-27352953-C-T.
Other names: c.1327G>A, p.Gly443Arg (NM_001256053.2); short protein forms G443R.
Identifiers: ClinVar variation 878896 (VCV000878896.12), dbSNP rs199787000, ClinGen allele CA5448594.
Genomic context (GRCh38, chr10:27,064,024, plus strand): 5'-TTAAAAATGAAATATAGCTCTTACCTTCTGCTTGTTCATTTCCTATATTTTTTTCTTTTC[C>T]GTCTGCAGCCCCAGCTAAAGGATCAACATACTTCTGTGGAAAATTCTCAGAGATACTCTG-3'
Protein context (NP_055730.2, residues 433-453): YVDPLAGAAD[Gly443Arg]KEKNIGNEQA